The following is an entry in ClinVar:

NM_206933.4(USH2A):c.2293C>T (p.Gln765Ter)

Gene: USH2A (usherin; minus strand). Cytogenetic location: 1q41.
Variant type: single nucleotide variant.
Coding change: c.2293C>T on transcript NM_206933.4 (MANE Select); coding-DNA position 2293, C replaced by T.
Protein change: p.Gln765Ter; replaces glutamine 765 with a stop codon.
Molecular consequence: nonsense.
Genome position (GRCh38, 1-based): chr1:216,247,101, G>A on the plus strand (C>T on the coding strand, the complement: USH2A is on the minus strand). VCF-style: chr1-216247101-G-A. GRCh37 (hg19) VCF-style: chr1-216420443-G-A.
Other names: c.2293C>T, p.Gln765Ter (NM_007123.6); short protein forms Q765*.
Identifiers: ClinVar variation 620284 (VCV000620284.12), dbSNP rs777629750, ClinGen allele CA344865218.

ClinVar aggregate classification (germline): Pathogenic/Likely pathogenic. Review status: criteria provided, multiple submitters, no conflicts (2 of 4 stars). 5 submissions from 4 submitters: Pathogenic (4); Likely pathogenic (1). Last evaluated 2023-11-04.

Conditions:
Retinitis pigmentosa 39 (RP39). Identifiers: Orphanet 791, MedGen C3151138, MONDO:0013436, OMIM 613809.
Usher syndrome type 2A. Also called: RETINAL DISEASE IN USHER SYNDROME TYPE IIA, MODIFIER OF; USHER SYNDROME, TYPE IIA. Identifiers: Orphanet 231178, Orphanet 886, MedGen C1848634, MONDO:0010169, OMIM 276901.

Submissions (5):

Genome-Nilou Lab
Classification: Pathogenic for Retinitis pigmentosa 39. Last evaluated: 2023-11-04. Review status: criteria provided, single submitter. Criteria: ACMG Guidelines, 2015. Collection method: clinical testing. Allele origin: germline. Affected: no.

Genome-Nilou Lab
Classification: Pathogenic for Usher syndrome type 2A. Last evaluated: 2023-11-04. Review status: criteria provided, single submitter. Criteria: ACMG Guidelines, 2015. Collection method: clinical testing. Allele origin: germline. Affected: no.

Baylor Genetics
Classification: Likely pathogenic for Retinitis pigmentosa 39. Last evaluated: 2023-05-10. Review status: criteria provided, single submitter. Criteria: ACMG Guidelines, 2015. Collection method: clinical testing. Allele origin: unknown.

Labcorp Genetics (formerly Invitae), Labcorp
Classification: Pathogenic. Last evaluated: 2019-09-24. Review status: criteria provided, single submitter. Criteria: Invitae Variant Classification Sherloc (09022015). Collection method: clinical testing. Allele origin: germline.
Comment: For these reasons, this variant has been classified as Pathogenic. Loss-of-function variants in USH2A are known to be pathogenic (PMID: 10729113, 10909849, 20507924, 25649381). ClinVar contains an entry for this variant (Variation ID: 620284). This variant is not present in population databases (ExAC no frequency). This sequence change creates a premature translational stop signal (p.Gln765*) in the USH2A gene. It is expected to result in an absent or disrupted protein product.

GeneDx
Classification: Pathogenic. Last evaluated: 2018-07-25. Review status: criteria provided, single submitter. Criteria: GeneDx Variant Classification (06012015). Collection method: clinical testing. Allele origin: germline. Affected: yes.
Comment: The Q765X variant in the USH2A gene has not been reported previously as a pathogenic variant nor as a benign variant, to our knowledge. This variant is predicted to cause loss of normal protein function either through protein truncation or nonsense-mediated mRNA decay. The Q765X variant is not observed in large population cohorts (Lek et al., 2016). We interpret Q765X as a pathogenic variant.

Literature cited by the submitters: PubMed 10729113 (cited by Labcorp Genetics (formerly Invitae), Labcorp); PubMed 10909849 (cited by Labcorp Genetics (formerly Invitae), Labcorp); PubMed 20507924 (cited by Labcorp Genetics (formerly Invitae), Labcorp); PubMed 25649381 (cited by Labcorp Genetics (formerly Invitae), Labcorp).